The following is an entry in ClinVar:

ClinVar aggregate classification (germline): Conflicting classifications of pathogenicity. Review status: criteria provided, conflicting classifications (1 of 4 stars). 10 submissions from 10 submitters: Pathogenic (1); Likely pathogenic (6); Uncertain significance (1). 2 of the submissions do not count toward it. Last evaluated 2026-01-30.

Conditions:
Autism (AUTS). Also called: Autistic disorder of childhood onset; Autistic disorder. Identifiers: MedGen C0004352, MeSH D001321, MONDO:0005260, OMIM 209850, HP:0000717.
Developmental and epileptic encephalopathy, 8 (DEE8). Also called: HYPEREKPLEXIA AND EPILEPSY. Identifiers: Orphanet 163985, Orphanet 2076, MedGen C1845102, MONDO:0010375, OMIM 300607.

Submissions (10):

Institute of Medical Genetics and Applied Genomics, University Hospital Tübingen
Classification: Likely pathogenic for Developmental and epileptic encephalopathy, 8. Last evaluated: 2026-01-30. Review status: criteria provided, single submitter. Criteria: ACMG Guidelines, 2015. Collection method: clinical testing. Allele origin: de novo. Inheritance: X-linked dominant inheritance. Affected: yes.
Comment: heterozygous de novo variant (unconfirmed parental relationship)

GeneDx
Classification: Pathogenic. Last evaluated: 2025-04-28. Review status: criteria provided, single submitter. Criteria: GeneDx Variant Classification Process June 2021. Collection method: clinical testing. Allele origin: germline. Affected: yes.
Comment: Not observed in large population cohorts (gnomAD); In silico analysis, which includes protein predictors and evolutionary conservation, supports a deleterious effect; Has not been previously published as pathogenic or benign in association with neurodevelopmental disorders to our knowledge; This variant is associated with the following publications: (PMID: 34758253)

Clinical Genetics Laboratory, Skane University Hospital Lund
Classification: Likely pathogenic for Developmental and epileptic encephalopathy, 8. Last evaluated: 2025-04-24. Review status: criteria provided, single submitter. Criteria: ACMG Guidelines, 2015. Collection method: clinical testing. Allele origin: de novo. Inheritance: X-linked inheritance. Affected: yes.

Dasa
Classification: Likely pathogenic. Last evaluated: 2025-01-23. Review status: criteria provided, single submitter. Criteria: DASA Assertion Criteria. Collection method: clinical testing. Allele origin: germline.
Comment: NM_001353921.2(ARHGEF9):c.331C>T (p.Arg111Trp) is a missense variant that results in the substitution of arginine with tryptophan. The affected residue or protein region has prior evidence supporting clinical relevance. This variant has been reported in individuals with ARHGEF9-related disorders (PMID: 38764027). Also, this variant is rare in population databases. Computational evidence supports a deleterious effect. Based on the currently available evidence, this variant is classified as likely pathogenic.

Labcorp Genetics (formerly Invitae), Labcorp
Classification: Uncertain significance for Developmental and epileptic encephalopathy, 8. Last evaluated: 2024-04-30. Review status: criteria provided, single submitter. Criteria: Invitae Variant Classification Sherloc (09022015). Collection method: clinical testing. Allele origin: germline.
Comment: This sequence change replaces arginine, which is basic and polar, with tryptophan, which is neutral and slightly polar, at codon 104 of the ARHGEF9 protein (p.Arg104Trp). This variant is not present in population databases (gnomAD no frequency). This variant has not been reported in the literature in individuals affected with ARHGEF9-related conditions. ClinVar contains an entry for this variant (Variation ID: 501568). Advanced modeling of protein sequence and biophysical properties (such as structural, functional, and spatial information, amino acid conservation, physicochemical variation, residue mobility, and thermodynamic stability) has been performed at Invitae for this missense variant, however the output from this modeling did not meet the statistical confidence thresholds required to predict the impact of this variant on ARHGEF9 protein function. This variant disrupts the p.Arg104 amino acid residue in ARHGEF9. Other variant(s) that disrupt this residue have been determined to be pathogenic (PMID: 28589176, 32939676). This suggests that this residue is clinically significant, and that variants that disrupt this residue are likely to be disease-causing. In summary, the available evidence is currently insufficient to determine the role of this variant in disease. Therefore, it has been classified as a Variant of Uncertain Significance.

Laboratory of Inherited Metabolic Diseases, Research centre for medical genetics
Classification: Likely pathogenic for Developmental and epileptic encephalopathy, 8. Last evaluated: 2020-02-14. Review status: criteria provided, single submitter. Criteria: ACMG Guidelines, 2015. Collection method: clinical testing. Allele origin: de novo. Inheritance: X-linked inheritance. Affected: yes.

Eurofins Ntd Llc (ga)
Classification: Likely pathogenic. Last evaluated: 2018-09-06. Review status: criteria provided, single submitter. Criteria: EGL ClinVar v180209 classification definitions. Collection method: clinical testing. Allele origin: germline. Observed: 1 variant allele, 1 hemizygote.

Cytogénomique, Hospices Civils de Lyon
Classification: Likely pathogenic for Developmental and epileptic encephalopathy, 8. Last evaluated: 2018-04-16. Review status: criteria provided, single submitter. Criteria: ACMG Guidelines, 2015. Collection method: clinical testing. Allele origin: maternal. Inheritance: X-linked inheritance. Affected: yes.

Centre for Addiction & Mental Health
Classification: Uncertain significance for Autism. Review status: no assertion criteria provided. Collection method: research. Allele origin: de novo. Affected: yes. Observed: 1 hemizygote. Segregation with disease not observed. Not counted in ClinVar's aggregate classification.
Comment: Nonsynonymous variant in known disease gene; no hemizygotes in gnomAD control data, but no functional assay data available

Genomics England Pilot Project, Genomics England
Classification: Likely pathogenic for Developmental and epileptic encephalopathy, 8. Review status: no assertion criteria provided. Criteria: ACGS Guidelines, 2016. Collection method: clinical testing. Allele origin: germline. Affected: yes. Not counted in ClinVar's aggregate classification.

Literature cited by the submitters: PubMed 38764027 (cited by Dasa); PubMed 28589176 (cited by Labcorp Genetics (formerly Invitae), Labcorp); PubMed 32939676 (cited by Labcorp Genetics (formerly Invitae), Labcorp).

NM_001353921.2(ARHGEF9):c.331C>T (p.Arg111Trp)

Gene: ARHGEF9 (Cdc42 guanine nucleotide exchange factor 9; minus strand). Cytogenetic location: Xq11.1.
Variant type: single nucleotide variant.
Coding change: c.331C>T on transcript NM_001353921.2 (MANE Select); coding-DNA position 331, C replaced by T.
Protein change: p.Arg111Trp; replaces arginine 111 with tryptophan.
Molecular consequence: missense variant. On other transcripts: 5 prime UTR variant (1).
Genome position (GRCh38, 1-based): chrX:63,706,329, G>A on the plus strand (C>T on the coding strand, the complement: ARHGEF9 is on the minus strand). VCF-style: chrX-63706329-G-A. GRCh37 (hg19) VCF-style: chrX-62926209-G-A.
Other names: c.151C>T, p.Arg51Trp (NM_001173479.2); c.4C>T, p.Arg2Trp (NM_001173480.2, NM_001369042.1); c.247C>T, p.Arg83Trp (NM_001330495.2, NM_001353927.2, NM_001369033.1 and 8 more transcripts); c.331C>T, p.Arg111Trp (NM_001353922.2); c.349C>T, p.Arg117Trp (NM_001353923.1); c.130C>T, p.Arg44Trp (NM_001353924.2, NM_001353926.2, NM_001369039.1 and 1 more transcripts); c.310C>T, p.Arg104Trp (NM_001353928.2, NM_001369030.1, NM_001369031.1 and 2 more transcripts); c.-373C>T (NM_001369045.1); short protein forms R104W, R83W, R2W, R51W, R111W, R117W, R44W.
Identifiers: ClinVar variation 501568 (VCV000501568.22), dbSNP rs1556401730, ClinGen allele CA413401938.